The following is an entry in ClinVar:

NM_002227.4(JAK1):c.991-4T>C

Gene: JAK1 (Janus kinase 1; minus strand). Cytogenetic location: 1p31.3.
Variant type: single nucleotide variant.
Coding change: c.991-4T>C on transcript NM_002227.4 (MANE Select); 4 bases into the intron before coding-DNA position 991, T replaced by C.
Molecular consequence: intron variant.
Genome position (GRCh38, 1-based): chr1:64,864,976, A>G on the plus strand (T>C on the coding strand, the complement: JAK1 is on the minus strand). VCF-style: chr1-64864976-A-G. GRCh37 (hg19) VCF-style: chr1-65330659-A-G.
Other names: c.991-4T>C (NM_001321852.2, NM_001321854.2, NM_001321853.2 and 5 more transcripts).
Identifiers: ClinVar variation 1169118 (VCV001169118.13), dbSNP rs140703760, ClinGen allele CA893041.

ClinVar aggregate classification (germline): Benign/Likely benign. Review status: criteria provided, multiple submitters, no conflicts (2 of 4 stars). 4 submissions from 4 submitters: Benign (2); Likely benign (1). 1 of the submissions does not count toward it. Last evaluated 2026-02-01.

Conditions:
JAK1-related disorder. Also called: JAK1-related condition.

Allele frequency attached by ClinVar (database versions not stated): ExAC 0.00089; 1000 Genomes Project 0.00120; gnomAD 0.00128 and 0.00131; TOPMed 0.00149; 1000 Genomes Project 30x 0.00156; gnomAD exomes 0.00159.
gnomAD v4.1: 740 of 1,606,606 alleles (0.046%); highest among the groups gnomAD compares: Admixed American, 0.98%; 9 homozygotes.

Submissions (4):

Labcorp Genetics (formerly Invitae), Labcorp
Classification: Benign. Last evaluated: 2026-02-01. Review status: criteria provided, single submitter. Criteria: Invitae Variant Classification Sherloc (09022015). Collection method: clinical testing. Allele origin: germline.

Blueprint Genetics
Classification: Likely benign. Last evaluated: 2024-06-19. Review status: criteria provided, single submitter. Criteria: ACMG Guidelines, 2015. Collection method: clinical testing. Allele origin: germline.

Breakthrough Genomics
Classification: Benign. Review status: criteria provided, single submitter. Criteria: ACMG Guidelines, 2015. Collection method: not provided. Allele origin: germline. Inheritance: Autosomal dominant inheritance. Affected: yes.

PreventionGenetics, part of Exact Sciences
Classification: Benign for JAK1-related condition. Last evaluated: 2019-07-31. Review status: no assertion criteria provided. Collection method: clinical testing. Allele origin: germline. Not counted in ClinVar's aggregate classification.
Comment: This variant is classified as benign based on ACMG/AMP sequence variant interpretation guidelines (Richards et al. 2015 PMID: 25741868, with internal and published modifications).